The following is an entry in ClinVar:

NM_000046.5(ARSB):c.1539C>A (p.Tyr513Ter)

Gene: ARSB (arylsulfatase B; minus strand). Cytogenetic location: 5q14.1.
Variant type: single nucleotide variant.
Coding change: c.1539C>A on transcript NM_000046.5 (MANE Select); coding-DNA position 1539, C replaced by A.
Protein change: p.Tyr513Ter; replaces tyrosine 513 with a stop codon.
Molecular consequence: nonsense.
Genome position (GRCh38, 1-based): chr5:78,780,460, G>T on the plus strand (C>A on the coding strand, the complement: ARSB is on the minus strand). VCF-style: chr5-78780460-G-T. GRCh37 (hg19) VCF-style: chr5-78076283-G-T.
Other names: p.Tyr513Ter; short protein forms Y513*.
Identifiers: ClinVar variation 2161808 (VCV002161808.5), dbSNP rs1251438062, ClinGen allele CA360338896.

ClinVar aggregate classification (germline): Pathogenic. Review status: criteria provided, multiple submitters, no conflicts (2 of 4 stars). 3 submissions from 3 submitters: Pathogenic (3). Last evaluated 2026-01-02.

Conditions:
Mucopolysaccharidosis type 6 (MPS6). Also called: N-ACETYLGALACTOSAMINE-4-SULFATASE DEFICIENCY; MPS VI; ARSB DEFICIENCY; ARYLSULFATASE B DEFICIENCY; MPS 6; Maroteaux Lamy syndrome. Identifiers: Orphanet 583, MedGen C0026709, MONDO:0009661, OMIM 253200.

Allele frequency attached by ClinVar (database versions not stated): gnomAD exomes 0.00001.
gnomAD v4.1: 3 of 1,614,154 alleles (0.00019%); highest among the groups gnomAD compares: Non-Finnish European, 0.00025%; no homozygotes.

Submissions (3):

Foundation for Research in Genetics and Endocrinology, FRIGE's Institute of Human Genetics
Classification: Pathogenic for Mucopolysaccharidosis type 6. Last evaluated: 2026-01-02. Review status: criteria provided, single submitter. Criteria: ACMG Guidelines, 2015. Collection method: clinical testing. Allele origin: germline. Inheritance: Autosomal recessive inheritance. Affected: yes. Observed: 1 homozygote.
Comment: A homozygous nonsense variant in exon 8 of the ARSB gene that results in a stop codon and premature truncation of the protein at codon 513 (p.Tyr513Ter) was detected. This variant has not been reported in the 1000 genomes and has a minor allele frequency of 0.0004% in the gnomAD database. The in-silico prediction of the variant is deleterious by MutationTaster2 and DANN. In summary, the variant meets our criteria to be classified as pathogenic.

Baylor Genetics
Classification: Pathogenic for Mucopolysaccharidosis type 6. Last evaluated: 2024-01-23. Review status: criteria provided, single submitter. Criteria: ACMG Guidelines, 2015. Collection method: clinical testing. Allele origin: unknown.

Labcorp Genetics (formerly Invitae), Labcorp
Classification: Pathogenic for Mucopolysaccharidosis type 6. Last evaluated: 2022-10-07. Review status: criteria provided, single submitter. Criteria: Invitae Variant Classification Sherloc (09022015). Collection method: clinical testing. Allele origin: germline.
Comment: This sequence change creates a premature translational stop signal (p.Tyr513*) in the ARSB gene. While this is not anticipated to result in nonsense mediated decay, it is expected to disrupt the last 21 amino acid(s) of the ARSB protein. This variant is present in population databases (no rsID available, gnomAD 0.0009%). This premature translational stop signal has been observed in individual(s) with mucopolysaccharidosis type VI (PMID: 10923267, 26909334). In at least one individual the data is consistent with being in trans (on the opposite chromosome) from a pathogenic variant. This variant disrupts a region of the ARSB protein in which other variant(s) (p.Pro531Arg) have been observed in individuals with ARSB-related conditions (PMID: 10036316). This suggests that this is a clinically significant region of the protein, and that variants that disrupt it are likely to be disease-causing. For these reasons, this variant has been classified as Pathogenic.

Literature cited by the submitters: PubMed 10923267 (cited by Labcorp Genetics (formerly Invitae), Labcorp); PubMed 26909334 (cited by Labcorp Genetics (formerly Invitae), Labcorp); PubMed 10036316 (cited by Labcorp Genetics (formerly Invitae), Labcorp).